The following is an entry in ClinVar:

ClinVar aggregate classification (germline): other (0 of 4 stars; one submission).

Conditions:
Familial colorectal cancer. Identifiers: MedGen CN280943, MONDO:0023113. Disease mechanism: loss of function.

Submission:

Systems Biology Platform Zhejiang California International NanoSystems Institute
Classification: other for Familial colorectal cancer. Review status: no assertion criteria provided. Collection method: not provided. Allele origin: unknown.
ClinVar note: Converted during submission from cancer to other.

NM_000038.6(APC):c.933+544T>G

Gene: APC (APC regulator of WNT signaling pathway; plus strand). Cytogenetic location: 5q22.2.
Variant type: single nucleotide variant.
Coding change: c.933+544T>G on transcript NM_000038.6 (MANE Select); 544 bases into the intron after coding-DNA position 933, T replaced by G.
Molecular consequence: intron variant.
Genome position (GRCh38, 1-based): chr5:112,816,137, T>G. VCF-style: chr5-112816137-T-G. GRCh37 (hg19) VCF-style: chr5-112151834-T-G.
Other names: c.933+544T>G (NM_001354895.2, NM_001127510.3, NM_001354896.2 and 1 more transcripts); c.963+544T>G (NM_001354897.2, NM_001354902.2); c.879+544T>G (NM_001127511.3); c.858+544T>G (NM_001354898.2, NM_001354904.2); c.84+544T>G (NM_001354906.2); c.849+544T>G (NM_001354899.2); c.756+544T>G (NM_001354900.2, NM_001354901.2, NM_001354905.2).
Identifiers: ClinVar variation 83100 (VCV000083100.2), dbSNP rs76128575, ClinGen allele CA015755.
Genomic context (GRCh38, chr5:112,816,137, plus strand): 5'-CACTTCCTGCTTCCTGAACATTCCCTGTGACTTTCCCCCTCCCTTCCTTGCCTGCATTGG[T>G]GGGGACCACCATAAATGTCTGTCAGAATCCTAGCCAGCCTTCAAAACTCTTCTTGGGCTT-3'